The following is an entry in ClinVar:

NM_003482.4(KMT2D):c.9379C>T (p.Arg3127Cys)

Gene: KMT2D (lysine methyltransferase 2D; minus strand). Cytogenetic location: 12q13.12.
Variant type: single nucleotide variant.
Coding change: c.9379C>T on transcript NM_003482.4 (MANE Select); coding-DNA position 9379, C replaced by T.
Protein change: p.Arg3127Cys; replaces arginine 3127 with cysteine.
Molecular consequence: missense variant.
Genome position (GRCh38, 1-based): chr12:49,037,977, G>A on the plus strand (C>T on the coding strand, the complement: KMT2D is on the minus strand). VCF-style: chr12-49037977-G-A. GRCh37 (hg19) VCF-style: chr12-49431760-G-A.
Other names: short protein forms R3127C.
Identifiers: ClinVar variation 1216577 (VCV001216577.13), dbSNP rs748336297, ClinGen allele CA6546702.

ClinVar aggregate classification (germline): Likely benign. Review status: criteria provided, multiple submitters, no conflicts (2 of 4 stars). 3 submissions from 3 submitters: Likely benign (2). 1 of the submissions does not count toward it. Last evaluated 2025-10-29.

Conditions:
Kabuki syndrome 1 (KABUK1). Also called: KMT2D-Related Kabuki Syndrome. Identifiers: Orphanet 2322, MedGen CN030661, MONDO:0007843, OMIM 147920.
KMT2D-related disorder. Also called: KMT2D-Related Disorders.
Kabuki syndrome. Also called: NIIKAWA-KUROKI SYNDROME; Kabuki make-up syndrome. Identifiers: Orphanet 2322, MedGen C0796004, MONDO:0016512.

Allele frequency attached by ClinVar (database versions not stated): gnomAD exomes 0.00002 and 0.00003; ExAC 0.00004; TOPMed 0.00006; gnomAD 0.00007.

Submissions (3):

Labcorp Genetics (formerly Invitae), Labcorp
Classification: Likely benign for Kabuki syndrome. Last evaluated: 2025-10-29. Review status: criteria provided, single submitter. Criteria: Invitae Variant Classification Sherloc (09022015). Collection method: clinical testing. Allele origin: germline.

GeneDx
Classification: Likely benign. Last evaluated: 2021-01-05. Review status: criteria provided, single submitter. Criteria: GeneDx Variant Classification Process June 2021. Collection method: clinical testing. Allele origin: germline. Affected: yes.
Comment: This variant is associated with the following publications: (PMID: 30459467)

PreventionGenetics, part of Exact Sciences
Classification: Uncertain significance for KMT2D-related condition. Last evaluated: 2024-03-20. Review status: no assertion criteria provided. Collection method: clinical testing. Allele origin: germline. Not counted in ClinVar's aggregate classification.
Comment: The KMT2D c.9379C>T variant is predicted to result in the amino acid substitution p.Arg3127Cys. This variant was reported in an individual with Kabuki syndrome (Table S3, Faundes et al. 2019. PubMed ID: 30459467). This variant is reported in 0.011% of alleles in individuals of Ashkenazi Jewish descent in gnomAD, which may be too common to be a primary cause of disease. Although we suspect that this variant may be benign, at this time, the clinical significance of this variant is uncertain due to the absence of conclusive functional and genetic evidence.